The following is an entry in ClinVar:

ClinVar aggregate classification (germline): Uncertain significance (1 of 4 stars; one submission).

Allele frequency attached by ClinVar (database versions not stated): ExAC 0.00001; gnomAD exomes 0.00002.
gnomAD v4.1: 27 of 1,613,062 alleles (0.0017%); highest among the groups gnomAD compares: Non-Finnish European, 0.0023%; no homozygotes.

Submission:

Labcorp Genetics (formerly Invitae), Labcorp
Classification: Uncertain significance. Last evaluated: 2023-09-22. Review status: criteria provided, single submitter. Criteria: Invitae Variant Classification Sherloc (09022015). Collection method: clinical testing. Allele origin: germline.
Comment: This sequence change replaces methionine, which is neutral and non-polar, with valine, which is neutral and non-polar, at codon 703 of the DVL3 protein (p.Met703Val). The frequency data for this variant in the population databases is considered unreliable, as metrics indicate poor data quality at this position in the gnomAD database. This variant has not been reported in the literature in individuals affected with DVL3-related conditions. Advanced modeling of protein sequence and biophysical properties (such as structural, functional, and spatial information, amino acid conservation, physicochemical variation, residue mobility, and thermodynamic stability) performed at Invitae indicates that this missense variant is not expected to disrupt DVL3 protein function. In summary, the available evidence is currently insufficient to determine the role of this variant in disease. Therefore, it has been classified as a Variant of Uncertain Significance.

NM_004423.4(DVL3):c.2107A>G (p.Met703Val)

Gene: DVL3 (dishevelled segment polarity protein 3; plus strand). Cytogenetic location: 3q27.1.
Variant type: single nucleotide variant.
Coding change: c.2107A>G on transcript NM_004423.4 (MANE Select); coding-DNA position 2107, A replaced by G.
Protein change: p.Met703Val; replaces methionine 703 with valine.
Molecular consequence: missense variant.
Genome position (GRCh38, 1-based): chr3:184,170,711, A>G. VCF-style: chr3-184170711-A-G. GRCh37 (hg19) VCF-style: chr3-183888499-A-G.
Other names: short protein forms M703V.
Identifiers: ClinVar variation 2956500 (VCV002956500.3), dbSNP rs775113252, ClinGen allele CA2727584.